The following is an entry in ClinVar:

NM_001844.5(COL2A1):c.4328del (p.Gly1443fs)

Gene: COL2A1 (collagen type II alpha 1 chain; minus strand). Cytogenetic location: 12q13.11.
Variant type: Deletion.
Coding change: c.4328del on transcript NM_001844.5 (MANE Select); coding-DNA position 4328, one base deleted (G; older notation c.4328delG).
Protein change: p.Gly1443fs; shifts the reading frame from glycine 1443.
Molecular consequence: frameshift variant.
Genome position (GRCh38, 1-based): chr12:47,973,543, C deleted on the plus strand (G on the coding strand, the reverse complement: COL2A1 is on the minus strand); the first of 2 consecutive C bases (chr12:47,973,543-47,973,544); deleting either gives the same sequence. VCF-style (leftmost placement, unchanged base first): chr12-47973542-AC-A. GRCh37 (hg19) VCF-style: chr12-48367325-AC-A.
Other names: c.4121del, p.Gly1374fs (NM_033150.3); short protein forms G1374fs, G1443fs.
Identifiers: ClinVar variation 500253 (VCV000500253.7), dbSNP rs1555164232, ClinGen allele CA658797878.

ClinVar aggregate classification (germline): Pathogenic. Review status: criteria provided, multiple submitters, no conflicts (2 of 4 stars). 2 submissions from 2 submitters: Pathogenic (2). Last evaluated 2024-06-15.

Submissions (2):

Labcorp Genetics (formerly Invitae), Labcorp
Classification: Pathogenic. Last evaluated: 2024-06-15. Review status: criteria provided, single submitter. Criteria: Invitae Variant Classification Sherloc (09022015). Collection method: clinical testing. Allele origin: germline.
Comment: This sequence change creates a premature translational stop signal (p.Gly1443Valfs*28) in the COL2A1 gene. While this is not anticipated to result in nonsense mediated decay, it is expected to disrupt the last 45 amino acid(s) of the COL2A1 protein. This variant is not present in population databases (gnomAD no frequency). This variant has not been reported in the literature in individuals affected with COL2A1-related conditions. ClinVar contains an entry for this variant (Variation ID: 500253). This variant disrupts a region of the COL2A1 protein in which other variant(s) (p.Phe1486del) have been determined to be pathogenic (PMID: 22495950; Invitae). This suggests that this is a clinically significant region of the protein, and that variants that disrupt it are likely to be disease-causing. For these reasons, this variant has been classified as Pathogenic.

Eurofins Ntd Llc (ga)
Classification: Pathogenic. Last evaluated: 2017-03-01. Review status: criteria provided, single submitter. Criteria: EGL Classification Definitions 2015. Collection method: clinical testing. Allele origin: germline. Observed: 1 variant allele, 1 heterozygote.

Literature cited by the submitters: PubMed 22495950 (cited by Labcorp Genetics (formerly Invitae), Labcorp).